The following is an entry in ClinVar:

NM_000143.4(FH):c.1108+3A>G

Gene: FH (fumarate hydratase; minus strand). Cytogenetic location: 1q43.
Variant type: single nucleotide variant.
Coding change: c.1108+3A>G on transcript NM_000143.4 (MANE Select); 3 bases into the intron after coding-DNA position 1108, A replaced by G.
Molecular consequence: intron variant.
Genome position (GRCh38, 1-based): chr1:241,504,039, T>C on the plus strand (A>G on the coding strand, the complement: FH is on the minus strand). VCF-style: chr1-241504039-T-C. GRCh37 (hg19) VCF-style: chr1-241667339-T-C.
Identifiers: ClinVar variation 1314636 (VCV001314636.2), dbSNP rs200118475, ClinGen allele CA40327905.

ClinVar aggregate classification (germline): Uncertain significance (1 of 4 stars; one submission).

Submission:

GeneDx
Classification: Uncertain significance. Last evaluated: 2021-04-05. Review status: criteria provided, single submitter. Criteria: GeneDx Variant Classification Process June 2021. Collection method: clinical testing. Allele origin: germline. Affected: yes.
Comment: Not observed in large population cohorts (Lek 2016); Has not been previously published as pathogenic or benign to our knowledge; In-silico analysis, which includes splice predictors and evolutionary conservation, is inconclusive as to whether the variant alters gene splicing. In the absence of RNA/functional studies, the actual effect of this sequence change is unknown.